The following is an entry in ClinVar:

ClinVar aggregate classification (germline): Pathogenic/Likely pathogenic. Review status: criteria provided, multiple submitters, no conflicts (2 of 4 stars). 6 submissions from 6 submitters: Pathogenic (2); Likely pathogenic (2). 2 of the submissions do not count toward it. Last evaluated 2026-09-01.

Conditions:
Hereditary cancer-predisposing syndrome. Also called: Hereditary neoplastic syndrome; Tumor predisposition; Neoplastic Syndromes, Hereditary; Hereditary Cancer Syndrome. Identifiers: Orphanet 140162, MedGen C0027672, MeSH D009386, MONDO:0015356.
Hereditary pheochromocytoma and paraganglioma. Also called: Hereditary Paraganglioma-Pheochromocytoma Syndromes; Hereditary pheochromocytoma-paraganglioma; Hereditary paragangliomas and pheochromocytomas. Identifiers: Orphanet 29072, MedGen C4274332, MONDO:0017366.

Submissions (6):

CeGaT Center for Human Genetics Tuebingen
Classification: Likely pathogenic. Last evaluated: 2026-09-01. Review status: criteria provided, single submitter. Criteria: CeGaT Center For Human Genetics Tuebingen Variant Classification Criteria Version 2. Collection method: clinical testing. Allele origin: germline. Affected: yes. Observed: 1 variant allele.
Comment: TMEM127: PVS1:Strong, PM2

Labcorp Genetics (formerly Invitae), Labcorp
Classification: Pathogenic for Hereditary pheochromocytoma and paraganglioma. Last evaluated: 2026-01-12. Review status: criteria provided, single submitter. Criteria: Invitae Variant Classification Sherloc (09022015). Collection method: clinical testing. Allele origin: germline.
Comment: This sequence change affects an acceptor splice site in intron 3 of the TMEM127 gene. RNA analysis indicates that disruption of this splice site induces altered splicing and likely disrupts the C-terminus of the protein. This variant is not present in population databases (gnomAD no frequency). Disruption of this splice site has been observed in individual(s) with pheochromocytoma (PMID: 20154675, 25389632, 29282712). It has also been observed to segregate with disease in related individuals. ClinVar contains an entry for this variant (Variation ID: 449954). Variants that disrupt the consensus splice site are a relatively common cause of aberrant splicing (PMID: 17576681, 9536098). Studies have shown that disruption of this splice site results in activation of a cryptic splice site and introduces a new termination codon (internal data). However the mRNA is not expected to undergo nonsense-mediated decay. For these reasons, this variant has been classified as Pathogenic.

Ambry Genetics
Classification: Likely pathogenic for Hereditary cancer-predisposing syndrome. Last evaluated: 2025-10-16. Review status: criteria provided, single submitter. Criteria: Ambry Variant Classification Scheme 2023. Collection method: clinical testing. Allele origin: germline.
Comment: The c.410-2A>G intronic variant results from an A to G substitution two nucleotides upstream from coding exon 3 in the TMEM127 gene. This nucleotide position is highly conserved in available vertebrate species. In silico splice site analysis predicts that this alteration will weaken the native splice acceptor site and will result in the creation or strengthening of a novel splice acceptor site. RNA studies have demonstrated that this alteration results in abnormal splicing in the set of samples tested (Ambry internal data). This variant was reported in individual(s) with features consistent with TMEM127-related hereditary pheochromocytoma-paraganglioma (Eijkelenkamp K et al. Clin Genet, 2018 May;93:1049-1056). This variant is considered to be rare based on population cohorts in the Genome Aggregation Database (gnomAD). Based on the majority of available evidence to date, this variant is likely to be pathogenic.

GeneDx
Classification: Pathogenic. Last evaluated: 2017-05-01. Review status: criteria provided, single submitter. Criteria: GeneDx Variant Classification (06012015). Collection method: clinical testing. Allele origin: germline. Affected: yes.
Comment: This variant is denoted TMEM127 c.410-2A>G or IVS3-2A>G and consists of an A>G nucleotidesubstitution at the -2 position of intron 3 of the TMEM127 gene. This variant destroys a canonical splice acceptor siteand is predicted to cause abnormal gene splicing, leading to either an abnormal message that is subject to nonsense-mediated mRNA decay or to an abnormal protein product. This variant has not, to our knowledge, been published inthe literature. Based on the current evidence, we consider this variant to be pathogenic.

Genome Diagnostics Laboratory, University Medical Center Utrecht
Classification: Likely pathogenic. Review status: no assertion criteria provided. Collection method: clinical testing. Allele origin: germline. Affected: yes. Study: VKGL Data-share Consensus. Not counted in ClinVar's aggregate classification.

Joint Genome Diagnostic Labs from Nijmegen and Maastricht, Radboudumc and MUMC+
Classification: Pathogenic. Review status: no assertion criteria provided. Collection method: clinical testing. Allele origin: germline. Affected: yes. Study: VKGL Data-share Consensus. Not counted in ClinVar's aggregate classification.

Literature cited by the submitters: PubMed 20154675 (cited by Labcorp Genetics (formerly Invitae), Labcorp); PubMed 25389632 (cited by Labcorp Genetics (formerly Invitae), Labcorp); PubMed 29282712 (cited by Labcorp Genetics (formerly Invitae), Labcorp and Ambry Genetics); PubMed 17576681 (cited by Labcorp Genetics (formerly Invitae), Labcorp); PubMed 9536098 (cited by Labcorp Genetics (formerly Invitae), Labcorp).

NM_017849.4(TMEM127):c.410-2A>G

Gene: TMEM127 (transmembrane protein 127; minus strand). Cytogenetic location: 2q11.2.
Variant type: single nucleotide variant.
Coding change: c.410-2A>G on transcript NM_017849.4 (MANE Select); the canonical splice acceptor site of the intron before coding-DNA position 410, A replaced by G.
Molecular consequence: splice acceptor variant.
Genome position (GRCh38, 1-based): chr2:96,254,117, T>C on the plus strand (A>G on the coding strand, the complement: TMEM127 is on the minus strand). VCF-style: chr2-96254117-T-C. GRCh37 (hg19) VCF-style: chr2-96919855-T-C.
Other names: c.158-2A>G (NM_001407283.1, NM_001407282.1); c.410-2A>G (NM_001193304.3).
Identifiers: ClinVar variation 449954 (VCV000449954.22), dbSNP rs121908826, ClinGen allele CA347653204.